The following is an entry in ClinVar:

ClinVar aggregate classification (germline): Uncertain significance (1 of 4 stars; one submission).

Conditions:
SLC39A13-related disorder. Also called: SLC39A13-related condition.

Submission:

PreventionGenetics, part of Exact Sciences
Classification: Uncertain significance for SLC39A13-related condition. Last evaluated: 2025-12-14. Review status: criteria provided, single submitter. Criteria: ACMG Guidelines, 2015. Collection method: clinical testing. Allele origin: germline.
Comment: The SLC39A13 c.730A>G variant is predicted to result in the amino acid substitution p.Lys244Glu. To our knowledge, this variant has not been reported in the literature or in a large population database (gnomAD), indicating this variant is rare. At this time, the clinical significance of this variant is uncertain due to the absence of conclusive functional and genetic evidence.

NM_001128225.3(SLC39A13):c.730A>G (p.Lys244Glu)

Gene: SLC39A13 (solute carrier family 39 member 13; plus strand). Cytogenetic location: 11p11.2.
Variant type: single nucleotide variant.
Coding change: c.730A>G on transcript NM_001128225.3 (MANE Select); coding-DNA position 730, A replaced by G.
Protein change: p.Lys244Glu; replaces lysine 244 with glutamic acid.
Molecular consequence: missense variant. On other transcripts: non-coding transcript variant (1), intron variant (2).
Genome position (GRCh38, 1-based): chr11:47,413,681, A>G. VCF-style: chr11-47413681-A-G. GRCh37 (hg19) VCF-style: chr11-47435232-A-G.
Other names: c.730A>G, p.Lys244Glu (NM_001330245.2, NM_001441271.1, NM_152264.5); c.622A>G, p.Lys208Glu (NM_001441272.1, NM_001441275.1, NM_001441276.1); c.645+174A>G (NM_001441273.1); c.538-744A>G (NM_001441274.1); short protein forms K208E, K244E.
Identifiers: ClinVar variation 5002104 (VCV005002104.1).
Genomic context (GRCh38, chr11:47,413,681, plus strand): 5'-GCCAACACCATCGATAACTTCACCCACGGGCTGGCTGTGGCTGCCAGCTTCCTTGTGAGC[A>G]AGAAGGTGAGGGGCTTGGGGCCAGTGGGGCTCTGGCGATTCCAGTGGCAGCCATGTGGAT-3'
Protein context (NP_001121697.2, residues 234-254): LAVAASFLVS[Lys244Glu]KIGLLTTMAI